The following is an entry in ClinVar:

NM_001083619.3(GRIA2):c.313G>A (p.Gly105Arg)

Gene: GRIA2 (glutamate ionotropic receptor AMPA type subunit 2; plus strand). Cytogenetic location: 4q32.1.
Variant type: single nucleotide variant.
Coding change: c.313G>A on transcript NM_001083619.3 (MANE Select); coding-DNA position 313, G replaced by A.
Protein change: p.Gly105Arg; replaces glycine 105 with arginine.
Molecular consequence: missense variant.
Genome position (GRCh38, 1-based): chr4:157,303,635, G>A. VCF-style: chr4-157303635-G-A. GRCh37 (hg19) VCF-style: chr4-158224787-G-A.
Other names: c.313G>A, p.Gly105Arg (NM_000826.6); c.172G>A, p.Gly58Arg (NM_001083620.3, NM_001379000.3, NM_001379001.3); short protein forms G105R, G58R.
Identifiers: ClinVar variation 4873541 (VCV004873541.2).

ClinVar aggregate classification (germline): Uncertain significance (1 of 4 stars; one submission).

gnomAD v4.1: 14 of 1,613,748 alleles (0.00087%); highest among the groups gnomAD compares: Non-Finnish European, 0.001%; no homozygotes.

Submission:

CeGaT Center for Human Genetics Tuebingen
Classification: Uncertain significance. Last evaluated: 2026-06-01. Review status: criteria provided, single submitter. Criteria: CeGaT Center For Human Genetics Tuebingen Variant Classification Criteria Version 2. Collection method: clinical testing. Allele origin: germline. Affected: yes. Observed: 1 variant allele.
Comment: GRIA2: PP3